The following is an entry in ClinVar:

NM_001378778.1(MPDZ):c.5677G>C (p.Ala1893Pro)

Gene: MPDZ (multiple PDZ domain crumbs cell polarity complex component; minus strand). Cytogenetic location: 9p23.
Variant type: single nucleotide variant.
Coding change: c.5677G>C on transcript NM_001378778.1 (MANE Select); coding-DNA position 5677, G replaced by C.
Protein change: p.Ala1893Pro; replaces alanine 1893 with proline.
Molecular consequence: missense variant.
Genome position (GRCh38, 1-based): chr9:13,112,071, C>G on the plus strand (G>C on the coding strand, the complement: MPDZ is on the minus strand). VCF-style: chr9-13112071-C-G. GRCh37 (hg19) VCF-style: chr9-13112070-C-G.
Other names: c.5578G>C, p.Ala1860Pro (NM_001261406.2, NM_001375416.1, NM_001375417.1 and 1 more transcripts); c.5491G>C, p.Ala1831Pro (NM_001261407.2, NM_001375419.1); c.5677G>C, p.Ala1893Pro (NM_001330637.2); c.5776G>C, p.Ala1926Pro (NM_001375413.1); c.5467G>C, p.Ala1823Pro (NM_001375420.1, NM_001375421.1, NM_001375422.1 and 2 more transcripts); c.5380G>C, p.Ala1794Pro (NM_001375425.1, NM_001375426.1); c.5269G>C, p.Ala1757Pro (NM_001375427.1); c.5590G>C, p.Ala1864Pro (NM_003829.5); and 1 more; short protein forms A1823P, A1926P, A1794P, A1831P, A1860P, A1864P, A1757P, A1893P.
Identifiers: ClinVar variation 1522389 (VCV001522389.6), dbSNP rs973965367, ClinGen allele CA189268846.

ClinVar aggregate classification (germline): Uncertain significance. Review status: criteria provided, multiple submitters, no conflicts (2 of 4 stars). 2 submissions from 2 submitters: Uncertain significance (2). Last evaluated 2025-05-01.

Conditions:
Inborn genetic diseases. Identifiers: MedGen C0950123, MeSH D030342.

Allele frequency attached by ClinVar (database versions not stated): TOPMed below 0.00001; gnomAD 0.00001.
gnomAD v4.1: 3 of 1,613,518 alleles (0.00019%); highest among the groups gnomAD compares: Non-Finnish European, 0.00025%; no homozygotes.

Submissions (2):

Ambry Genetics
Classification: Uncertain significance for Inborn genetic diseases. Last evaluated: 2025-05-01. Review status: criteria provided, single submitter. Criteria: Ambry Variant Classification Scheme 2023. Collection method: clinical testing. Allele origin: germline.

Labcorp Genetics (formerly Invitae), Labcorp
Classification: Uncertain significance. Last evaluated: 2022-08-16. Review status: criteria provided, single submitter. Criteria: Invitae Variant Classification Sherloc (09022015). Collection method: clinical testing. Allele origin: germline.
Comment: This sequence change replaces alanine, which is neutral and non-polar, with proline, which is neutral and non-polar, at codon 1864 of the MPDZ protein (p.Ala1864Pro). This variant is not present in population databases (gnomAD no frequency). This variant has not been reported in the literature in individuals affected with MPDZ-related conditions. ClinVar contains an entry for this variant (Variation ID: 1522389). Algorithms developed to predict the effect of missense changes on protein structure and function are either unavailable or do not agree on the potential impact of this missense change (SIFT: "Deleterious"; PolyPhen-2: "Probably Damaging"; Align-GVGD: "Class C0"). In summary, the available evidence is currently insufficient to determine the role of this variant in disease. Therefore, it has been classified as a Variant of Uncertain Significance.